The following is an entry in ClinVar:

NM_001134363.3(RBM20):c.2852C>A (p.Thr951Asn)

Gene: RBM20 (RNA binding motif protein 20; plus strand). Cytogenetic location: 10q25.2.
Variant type: single nucleotide variant.
Coding change: c.2852C>A on transcript NM_001134363.3 (MANE Select); coding-DNA position 2852, C replaced by A.
Protein change: p.Thr951Asn; replaces threonine 951 with asparagine.
Molecular consequence: missense variant.
Genome position (GRCh38, 1-based): chr10:110,821,471, C>A. VCF-style: chr10-110821471-C-A. GRCh37 (hg19) VCF-style: chr10-112581229-C-A.
Other names: short protein forms T951N.
Identifiers: ClinVar variation 4774176 (VCV004774176.2).

ClinVar aggregate classification (germline): Conflicting classifications of pathogenicity. Review status: criteria provided, conflicting classifications (1 of 4 stars). 2 submissions from 2 submitters: Uncertain significance (1); Likely benign (1). Last evaluated 2026-08-22.

Conditions:
Dilated cardiomyopathy 1DD (CMD1DD). Identifiers: Orphanet 154, MedGen C2750995, MONDO:0013168, OMIM 613172.
Cardiovascular phenotype. Identifiers: MedGen CN230736.

gnomAD v4.1: 1 of 1,551,858 alleles (0.000064%); highest among the groups gnomAD compares: South Asian, 0.0012%; no homozygotes.

Submissions (2):

Ambry Genetics
Classification: Uncertain significance for Cardiovascular phenotype. Last evaluated: 2026-08-22. Review status: criteria provided, single submitter. Criteria: Ambry Variant Classification Scheme 2023. Collection method: clinical testing. Allele origin: germline.
Comment: The p.T951N variant (also known as c.2852C>A), located in coding exon 11 of the RBM20 gene, results from a C to A substitution at nucleotide position 2852. The threonine at codon 951 is replaced by asparagine, an amino acid with similar properties. This amino acid position is conserved. In addition, this alteration is predicted to be tolerated by in silico analysis. Based on the available evidence, the clinical significance of this variant remains unclear.

Labcorp Genetics (formerly Invitae), Labcorp
Classification: Likely benign for Dilated cardiomyopathy 1DD. Last evaluated: 2025-06-09. Review status: criteria provided, single submitter. Criteria: Invitae Variant Classification Sherloc (09022015). Collection method: clinical testing. Allele origin: germline.